The following is an entry in ClinVar:

NM_001127208.3(TET2):c.2340del (p.Val781fs)

Genes: TET2 (tet methylcytosine dioxygenase 2; plus strand), TET2-AS1 (TET2 antisense RNA 1; minus strand). Cytogenetic location: 4q24.
Variant type: Deletion.
Coding change: c.2340del on transcript NM_001127208.3 (MANE Select); coding-DNA position 2340, one base deleted (A; older notation c.2340delA).
Protein change: p.Val781fs; shifts the reading frame from valine 781.
Molecular consequence: frameshift variant.
Genome position (GRCh38, 1-based): chr4:105,236,282, A deleted; the last of 3 consecutive A bases (chr4:105,236,280-105,236,282); deleting any one gives the same sequence. VCF-style (leftmost placement, unchanged base first): chr4-105236279-TA-T. GRCh37 (hg19) VCF-style: chr4-106157436-TA-T.
Other names: c.2340del, p.Val781fs (NM_017628.4); short protein forms V781fs.
Identifiers: ClinVar variation 4723564 (VCV004723564.1).
Genomic context (GRCh38, chr4:105,236,279, plus strand): 5'-TTTTCCTCACCCCCAAAGCAACAATGATCAGCAAAGAGAAGGATCATTCTTTGGCCAGAC[TA>T]AAGTGGAAGAATGTTTTCATGGTGAAAATCAGTATTCAAAATCAAGCGAGTTCGAGACTC-3'

ClinVar aggregate classification (germline): Pathogenic (1 of 4 stars; one submission).

Submission:

Labcorp Genetics (formerly Invitae), Labcorp
Classification: Pathogenic. Last evaluated: 2025-07-28. Review status: criteria provided, single submitter. Criteria: Invitae Variant Classification Sherloc (09022015). Collection method: clinical testing. Allele origin: germline.
Comment: This sequence change creates a premature translational stop signal (p.Val781Trpfs*32) in the TET2 gene. It is expected to result in an absent or disrupted protein product. Loss-of-function variants in TET2 are known to be pathogenic (PMID: 36066697). This variant is not present in population databases (gnomAD no frequency). This variant has not been reported in the literature in individuals affected with TET2-related conditions. For these reasons, this variant has been classified as Pathogenic.

Literature cited by the submitters: PubMed 36066697.